The following is an entry in ClinVar:

NM_003114.5(SPAG1):c.2222A>C (p.Lys741Thr)

Gene: SPAG1 (sperm associated antigen 1; plus strand). Cytogenetic location: 8q22.2.
Variant type: single nucleotide variant.
Coding change: c.2222A>C on transcript NM_003114.5 (MANE Select); coding-DNA position 2222, A replaced by C.
Protein change: p.Lys741Thr; replaces lysine 741 with threonine.
Molecular consequence: missense variant.
Genome position (GRCh38, 1-based): chr8:100,239,346, A>C. VCF-style: chr8-100239346-A-C. GRCh37 (hg19) VCF-style: chr8-101251574-A-C.
Other names: c.2222A>C, p.Lys741Thr (NM_001374321.1, NM_172218.3); short protein forms K741T.
Identifiers: ClinVar variation 4806122 (VCV004806122.1).

ClinVar aggregate classification (germline): Uncertain significance (1 of 4 stars; one submission).

Conditions:
Primary ciliary dyskinesia 28. Also called: CILIARY DYSKINESIA, PRIMARY, 28, WITH OR WITHOUT SITUS INVERSUS. Identifiers: Orphanet 244, MedGen C3809706, MONDO:0014216, OMIM 615505.

gnomAD v4.1: 9 of 1,596,510 alleles (0.00056%); highest among the groups gnomAD compares: Admixed American, 0.0087%; no homozygotes.

Submission:

Labcorp Genetics (formerly Invitae), Labcorp
Classification: Uncertain significance for Primary ciliary dyskinesia 28. Last evaluated: 2025-05-18. Review status: criteria provided, single submitter. Criteria: Invitae Variant Classification Sherloc (09022015). Collection method: clinical testing. Allele origin: germline.
Comment: This sequence change replaces lysine, which is basic and polar, with threonine, which is neutral and polar, at codon 741 of the SPAG1 protein (p.Lys741Thr). This variant is present in population databases (rs143498087, gnomAD 0.007%). This variant has not been reported in the literature in individuals affected with SPAG1-related conditions. Invitae Evidence Modeling of protein sequence and biophysical properties (such as structural, functional, and spatial information, amino acid conservation, physicochemical variation, residue mobility, and thermodynamic stability) indicates that this missense variant is not expected to disrupt SPAG1 protein function with a negative predictive value of 80%. In summary, the available evidence is currently insufficient to determine the role of this variant in disease. Therefore, it has been classified as a Variant of Uncertain Significance.